The following is an entry in ClinVar:

NM_005633.4(SOS1):c.2233G>C (p.Asp745His)

Gene: SOS1 (SOS Ras/Rac guanine nucleotide exchange factor 1; minus strand). Cytogenetic location: 2p22.1.
Variant type: single nucleotide variant.
Coding change: c.2233G>C on transcript NM_005633.4 (MANE Select); coding-DNA position 2233, G replaced by C.
Protein change: p.Asp745His; replaces aspartic acid 745 with histidine.
Molecular consequence: missense variant.
Genome position (GRCh38, 1-based): chr2:39,012,283, C>G on the plus strand (G>C on the coding strand, the complement: SOS1 is on the minus strand). VCF-style: chr2-39012283-C-G. GRCh37 (hg19) VCF-style: chr2-39239424-C-G.
Other names: c.2212G>C, p.Asp738His (NM_001382394.1); c.2233G>C, p.Asp745His (NM_001382395.1); short protein forms D738H, D745H.
Identifiers: ClinVar variation 4281905 (VCV004281905.1).
Genomic context (GRCh38, chr2:39,012,283, plus strand): 5'-TATGCCACTCAACTGTGGGAGGTGAACTCTGAAATGTAATATTATGACCTGGTCCATTGT[C>G]TCTTGCAATTTTTTTCCTTTGGATTATTTTAGTGATGGATTCAACCCATTTTTTCATTGC-3'
Protein context (NP_005624.2, residues 735-755): KIIQRKKIAR[Asp745His]NGPGHNITFQ

ClinVar aggregate classification (germline): Uncertain significance (1 of 4 stars; one submission).

Submission:

GeneDx
Classification: Uncertain significance. Last evaluated: 2025-04-07. Review status: criteria provided, single submitter. Criteria: GeneDx Variant Classification Process June 2021. Collection method: clinical testing. Allele origin: germline. Affected: yes.
Comment: Not observed at significant frequency in large population cohorts (gnomAD); Missense variants in this gene are a common cause of disease and they are underrepresented in the general population; In silico analysis indicates that this missense variant does not alter protein structure/function; Has not been previously published as pathogenic or benign to our knowledge; This variant is associated with the following publications: (PMID: 29493581)